The following is an entry in ClinVar:

ClinVar aggregate classification (germline): Conflicting classifications of pathogenicity. Review status: criteria provided, conflicting classifications (1 of 4 stars). 2 submissions from 2 submitters: Uncertain significance (1); Likely benign (1). Last evaluated 2026-05-01.

Conditions:
Inborn genetic diseases. Identifiers: MedGen C0950123, MeSH D030342.

Allele frequency attached by ClinVar (database versions not stated): ExAC 0.00002.

Submissions (2):

CeGaT Center for Human Genetics Tuebingen
Classification: Likely benign. Last evaluated: 2026-05-01. Review status: criteria provided, single submitter. Criteria: CeGaT Center For Human Genetics Tuebingen Variant Classification Criteria Version 2. Collection method: clinical testing. Allele origin: germline. Affected: yes. Observed: 1 variant allele.
Comment: HERC2: BP4, BS2

Ambry Genetics
Classification: Uncertain significance for Inborn genetic diseases. Last evaluated: 2022-10-25. Review status: criteria provided, single submitter. Criteria: Ambry Variant Classification Scheme 2023. Collection method: clinical testing. Allele origin: germline.

NM_004667.6(HERC2):c.961G>T (p.Ala321Ser)

Gene: HERC2 (HECT and RLD domain containing E3 ubiquitin protein ligase 2; minus strand). Cytogenetic location: 15q13.1.
Variant type: single nucleotide variant.
Coding change: c.961G>T on transcript NM_004667.6 (MANE Select); coding-DNA position 961, G replaced by T.
Protein change: p.Ala321Ser; replaces alanine 321 with serine.
Molecular consequence: missense variant.
Genome position (GRCh38, 1-based): chr15:28,272,337, C>A on the plus strand (G>T on the coding strand, the complement: HERC2 is on the minus strand). VCF-style: chr15-28272337-C-A. GRCh37 (hg19) VCF-style: chr15-28517483-C-A.
Other names: short protein forms A321S.
Identifiers: ClinVar variation 2359970 (VCV002359970.4), dbSNP rs779712431, ClinGen allele CA267947392.